The following is an entry in ClinVar:

NM_000168.6(GLI3):c.4610G>C (p.Arg1537Pro)

Gene: GLI3 (GLI family zinc finger 3; minus strand). Cytogenetic location: 7p14.1.
Variant type: single nucleotide variant.
Coding change: c.4610G>C on transcript NM_000168.6 (MANE Select); coding-DNA position 4610, G replaced by C.
Protein change: p.Arg1537Pro; replaces arginine 1537 with proline.
Molecular consequence: missense variant.
Genome position (GRCh38, 1-based): chr7:41,964,463, C>G on the plus strand (G>C on the coding strand, the complement: GLI3 is on the minus strand). VCF-style: chr7-41964463-C-G. GRCh37 (hg19) VCF-style: chr7-42004061-C-G.
Other names: short protein forms R1537P.
Identifiers: ClinVar variation 2199929 (VCV002199929.4), dbSNP rs746798261, ClinGen allele CA367314663.

ClinVar aggregate classification (germline): Uncertain significance (1 of 4 stars; one submission).

Conditions:
Pallister-Hall syndrome (PHS). Also called: HYPOTHALAMIC HAMARTOBLASTOMA, HYPOPITUITARISM, IMPERFORATE ANUS, AND POSTAXIAL POLYDACTYLY; GLI3-Related Pallister-Hall Syndrome. Identifiers: Orphanet 672, MedGen C0265220, MONDO:0007804, OMIM 146510.
Greig cephalopolysyndactyly syndrome (GCPS). Also called: POLYSYNDACTYLY WITH PECULIAR SKULL SHAPE; Greig syndrome; GLI3-Related Greig Cephalopolysyndactyly Syndrome. Identifiers: Orphanet 380, MedGen C0265306, MONDO:0008287, OMIM 175700.

Submission:

Labcorp Genetics (formerly Invitae), Labcorp
Classification: Uncertain significance for Pallister-Hall syndrome; Greig cephalopolysyndactyly syndrome. Last evaluated: 2022-04-23. Review status: criteria provided, single submitter. Criteria: Invitae Variant Classification Sherloc (09022015). Collection method: clinical testing. Allele origin: germline.
Comment: In summary, the available evidence is currently insufficient to determine the role of this variant in disease. Therefore, it has been classified as a Variant of Uncertain Significance. Algorithms developed to predict the effect of missense changes on protein structure and function are either unavailable or do not agree on the potential impact of this missense change (SIFT: "Deleterious"; PolyPhen-2: "Probably Damaging"; Align-GVGD: "Class C0"). This variant has not been reported in the literature in individuals affected with GLI3-related conditions. This variant is not present in population databases (gnomAD no frequency). This sequence change replaces arginine, which is basic and polar, with proline, which is neutral and non-polar, at codon 1537 of the GLI3 protein (p.Arg1537Pro).